The following is an entry in ClinVar:

ClinVar aggregate classification (germline): Uncertain significance (1 of 4 stars; one submission).

gnomAD v4.1: 3 of 1,613,980 alleles (0.00019%); highest among the groups gnomAD compares: Non-Finnish European, 0.00025%; no homozygotes.

Submission:

Labcorp Genetics (formerly Invitae), Labcorp
Classification: Uncertain significance. Last evaluated: 2022-05-25. Review status: criteria provided, single submitter. Criteria: Invitae Variant Classification Sherloc (09022015). Collection method: clinical testing. Allele origin: germline.
Comment: Algorithms developed to predict the effect of sequence changes on RNA splicing suggest that this variant may disrupt the consensus splice site. In summary, the available evidence is currently insufficient to determine the role of this variant in disease. Therefore, it has been classified as a Variant of Uncertain Significance. Algorithms developed to predict the effect of missense changes on protein structure and function are either unavailable or do not agree on the potential impact of this missense change (SIFT: "Deleterious"; PolyPhen-2: "Not Available"; Align-GVGD: "Class C0"). This variant has not been reported in the literature in individuals affected with CDH23-related conditions. This variant is present in population databases (rs770888523, gnomAD 0.002%). This sequence change replaces methionine, which is neutral and non-polar, with lysine, which is basic and polar, at codon 3062 of the CDH23 protein (p.Met3062Lys).

NM_022124.6(CDH23):c.9185T>A (p.Met3062Lys)

Gene: CDH23 (cadherin related 23; plus strand). Cytogenetic location: 10q22.1.
Variant type: single nucleotide variant.
Coding change: c.9185T>A on transcript NM_022124.6 (MANE Select); coding-DNA position 9185, T replaced by A.
Protein change: p.Met3062Lys; replaces methionine 3062 with lysine.
Molecular consequence: missense variant.
Genome position (GRCh38, 1-based): chr10:71,811,422, T>A. VCF-style: chr10-71811422-T-A. GRCh37 (hg19) VCF-style: chr10-73571179-T-A.
Other names: c.2465T>A, p.Met822Lys (NM_001171933.1, NM_001171934.1); short protein forms M3062K, M822K.
Identifiers: ClinVar variation 2157069 (VCV002157069.2), dbSNP rs770888523, ClinGen allele CA5546907.